The following is an entry in ClinVar:

NM_001166108.2(PALLD):c.1965-12766C>G

Gene: PALLD (palladin, cytoskeletal associated protein; plus strand). Cytogenetic location: 4q32.3.
Variant type: single nucleotide variant.
Coding change: c.1965-12766C>G on transcript NM_001166108.2 (MANE Select); 12766 bases into the intron before coding-DNA position 1965, C replaced by G.
Molecular consequence: intron variant. On other transcripts: missense variant (1).
Genome position (GRCh38, 1-based): chr4:168,878,156, C>G. VCF-style: chr4-168878156-C-G. GRCh37 (hg19) VCF-style: chr4-169799307-C-G.
Other names: c.265C>G, p.Pro89Ala (NM_001166110.2); c.1965-12766C>G (NM_016081.4); c.819-12766C>G (NM_001166109.2); c.-157-12766C>G (NM_001367570.1, NM_001367568.1, NM_001367567.1 and 1 more transcripts); short protein forms P89A.
Identifiers: ClinVar variation 4564167 (VCV004564167.1).

ClinVar aggregate classification (germline): Uncertain significance (1 of 4 stars; one submission).

gnomAD v4.1: 1 of 1,491,914 alleles (0.000067%); no homozygotes.

Submission:

Ambry Genetics
Classification: Uncertain significance. Last evaluated: 2025-11-01. Review status: criteria provided, single submitter. Criteria: Ambry Variant Classification Scheme 2023. Collection method: clinical testing. Allele origin: germline.
Comment: The p.P89A variant (also known as c.265C>G), located in coding exon 1 of the PALLD gene, results from a C to G substitution at nucleotide position 265. The proline at codon 89 is replaced by alanine, an amino acid with highly similar properties. This amino acid position is conserved. In addition, the in silico prediction for this alteration is inconclusive. Based on the available evidence, the clinical significance of this variant remains unclear.